The following is an entry in ClinVar:

NM_032119.4(ADGRV1):c.6549del (p.Ala2184fs)

Gene: ADGRV1 (adhesion G protein-coupled receptor V1; plus strand). Cytogenetic location: 5q14.3.
Variant type: Deletion.
Coding change: c.6549del on transcript NM_032119.4 (MANE Select); coding-DNA position 6549, one base deleted (A; older notation c.6549delA).
Protein change: p.Ala2184fs; shifts the reading frame from alanine 2184.
Molecular consequence: frameshift variant. On other transcripts: non-coding transcript variant (1).
Genome position (GRCh38, 1-based): chr5:90,689,919, A deleted; the last of 3 consecutive A bases (chr5:90,689,917-90,689,919); deleting any one gives the same sequence. VCF-style (leftmost placement, unchanged base first): chr5-90689916-TA-T. GRCh37 (hg19) VCF-style: chr5-89985733-TA-T.
Other names: short protein forms A2184fs.
Identifiers: ClinVar variation 2743158 (VCV002743158.3), dbSNP rs2530891038, ClinGen allele CA2697546295.

ClinVar aggregate classification (germline): Pathogenic (1 of 4 stars; one submission).

Submission:

Labcorp Genetics (formerly Invitae), Labcorp
Classification: Pathogenic. Last evaluated: 2023-07-13. Review status: criteria provided, single submitter. Criteria: Invitae Variant Classification Sherloc (09022015). Collection method: clinical testing. Allele origin: germline.
Comment: For these reasons, this variant has been classified as Pathogenic. This variant has not been reported in the literature in individuals affected with ADGRV1-related conditions. This variant is not present in population databases (gnomAD no frequency). This sequence change creates a premature translational stop signal (p.Ala2184Profs*22) in the ADGRV1 gene. It is expected to result in an absent or disrupted protein product. Loss-of-function variants in ADGRV1 are known to be pathogenic (PMID: 19357117, 22135276, 22147658, 26226137, 30718709, 31047384, 32467589).

Literature cited by the submitters: PubMed 19357117; PubMed 22135276; PubMed 22147658; PubMed 26226137; PubMed 30718709; PubMed 31047384; PubMed 32467589.